The following is an entry in ClinVar:

ClinVar aggregate classification (germline): Uncertain significance. Review status: criteria provided, multiple submitters, no conflicts (2 of 4 stars). 2 submissions from 2 submitters: Uncertain significance (2). Last evaluated 2025-07-23.

Conditions:
Congenital contractural arachnodactyly (CCA). Also called: BEALS SYNDROME; Beals-Hecht syndrome; Arthrogryposis, distal, type 9. Identifiers: Orphanet 115, MedGen C0220668, MONDO:0007363, OMIM 121050.

gnomAD v4.1: 4 of 1,614,004 alleles (0.00025%); highest among the groups gnomAD compares: Non-Finnish European, 0.00025%; no homozygotes.

Submissions (2):

Labcorp Genetics (formerly Invitae), Labcorp
Classification: Uncertain significance for Congenital contractural arachnodactyly. Last evaluated: 2025-07-23. Review status: criteria provided, single submitter. Criteria: Invitae Variant Classification Sherloc (09022015). Collection method: clinical testing. Allele origin: germline.
Comment: This sequence change replaces tyrosine, which is neutral and polar, with cysteine, which is neutral and slightly polar, at codon 1223 of the FBN2 protein (p.Tyr1223Cys). This variant is not present in population databases (gnomAD no frequency). This variant has not been reported in the literature in individuals affected with FBN2-related conditions. ClinVar contains an entry for this variant (Variation ID: 2180410). Invitae Evidence Modeling of protein sequence and biophysical properties (such as structural, functional, and spatial information, amino acid conservation, physicochemical variation, residue mobility, and thermodynamic stability) has been performed for this missense variant. However, the output from this modeling did not meet the statistical confidence thresholds required to predict the impact of this variant on FBN2 protein function. In summary, the available evidence is currently insufficient to determine the role of this variant in disease. Therefore, it has been classified as a Variant of Uncertain Significance.

Clinical Genetics Laboratory, Skane University Hospital Lund
Classification: Uncertain significance. Last evaluated: 2022-05-27. Review status: criteria provided, single submitter. Criteria: ACMG Guidelines, 2015. Collection method: clinical testing. Allele origin: germline. Affected: yes.

NM_001999.4(FBN2):c.3668A>G (p.Tyr1223Cys)

Gene: FBN2 (fibrillin 2; minus strand). Cytogenetic location: 5q23.3.
Variant type: single nucleotide variant.
Coding change: c.3668A>G on transcript NM_001999.4 (MANE Select); coding-DNA position 3668, A replaced by G.
Protein change: p.Tyr1223Cys; replaces tyrosine 1223 with cysteine.
Molecular consequence: missense variant.
Genome position (GRCh38, 1-based): chr5:128,336,044, T>C on the plus strand (A>G on the coding strand, the complement: FBN2 is on the minus strand). VCF-style: chr5-128336044-T-C. GRCh37 (hg19) VCF-style: chr5-127671736-T-C.
Other names: short protein forms Y1223C.
Identifiers: ClinVar variation 2180410 (VCV002180410.5), dbSNP rs2479803466, ClinGen allele CA360758295.